The following is an entry in ClinVar:

NM_001288705.3(CSF1R):c.1319+12C>T

Gene: CSF1R (colony stimulating factor 1 receptor; minus strand). Cytogenetic location: 5q32.
Variant type: single nucleotide variant.
Coding change: c.1319+12C>T on transcript NM_001288705.3 (MANE Select); 12 bases into the intron after coding-DNA position 1319, C replaced by T.
Molecular consequence: intron variant.
Genome position (GRCh38, 1-based): chr5:150,070,170, G>A on the plus strand (C>T on the coding strand, the complement: CSF1R is on the minus strand). VCF-style: chr5-150070170-G-A. GRCh37 (hg19) VCF-style: chr5-149449733-G-A.
Other names: c.875+12C>T (NM_001375321.1); c.1319+12C>T (NM_005211.4, NM_001375320.1, NM_001349736.2).
Identifiers: ClinVar variation 352152 (VCV000352152.7), dbSNP rs374820982, ClinGen allele CA3506882.
Genomic context (GRCh38, chr5:150,070,170, plus strand): 5'-AGCATGTCCCTCCCACTCACAGGGTGCCCAGCCCCTGAGCCCAGGTGAGGGAGGTGAGTG[G>A]AGCCCACTTACCTATCAGTGTGGCCACTGCACTGCAGCCATGTCACGTTGGGCTGGGGGT-3'

ClinVar aggregate classification (germline): Likely benign. Review status: criteria provided, multiple submitters, no conflicts (2 of 4 stars). 2 submissions from 2 submitters: Likely benign (2). Last evaluated 2024-06-28.

Conditions:
Hereditary diffuse leukoencephalopathy with spheroids. Also called: LEUKOENCEPHALOPATHY, ADULT-ONSET, WITH AXONAL SPHEROIDS AND PIGMENTED GLIA. Identifiers: Orphanet 313808, MedGen C3711381, MONDO:0030796.

Allele frequency attached by ClinVar (database versions not stated): gnomAD 0.00001 and 0.00002; ExAC 0.00002; gnomAD exomes 0.00003 and 0.00005; TOPMed 0.00004; ESP Exome Variant Server 0.00015.
gnomAD v4.1: 82 of 1,612,792 alleles (0.0051%); highest among the groups gnomAD compares: Non-Finnish European, 0.0063%; no homozygotes.

Submissions (2):

Labcorp Genetics (formerly Invitae), Labcorp
Classification: Likely benign. Last evaluated: 2024-06-28. Review status: criteria provided, single submitter. Criteria: Invitae Variant Classification Sherloc (09022015). Collection method: clinical testing. Allele origin: germline.

Illumina Laboratory Services, Illumina
Classification: Likely benign for Leukoencephalopathy, diffuse hereditary, with spheroids 1. Last evaluated: 2018-01-12. Review status: criteria provided, single submitter. Criteria: ICSL Variant Classification Criteria 13 December 2019. Collection method: clinical testing. Allele origin: germline.
Comment: This variant was observed in the ICSL laboratory as part of a predisposition screen in an ostensibly healthy population. It had not been previously curated by ICSL or reported in the Human Gene Mutation Database (HGMD: prior to June 1st, 2018), and was therefore a candidate for classification through an automated scoring system. Utilizing variant allele frequency, disease prevalence and penetrance estimates, and inheritance mode, an automated score was calculated to assess if this variant is too frequent to cause the disease. Based on the score and internal cut-off values, a variant classified as likely benign is not then subjected to further curation. The score for this variant resulted in a classification of likely benign for this disease.